The following is an entry in ClinVar:

NM_006495.4(EVI2B):c.258T>C (p.Tyr86=)

Genes: EVI2B (ecotropic viral integration site 2B; minus strand), NF1 (neurofibromin 1; plus strand). Cytogenetic location: 17q11.2.
Variant type: single nucleotide variant.
Coding change: c.258T>C on transcript NM_006495.4 (MANE Select); coding-DNA position 258, T replaced by C.
Protein change: p.Tyr86=; no amino-acid change (tyrosine 86 retained).
Molecular consequence: synonymous variant. On other transcripts: intron variant (2).
Genome position (GRCh38, 1-based): chr17:31,305,352, A>G on the plus strand (T>C on the coding strand, the complement: EVI2B is on the minus strand). VCF-style: chr17-31305352-A-G. GRCh37 (hg19) VCF-style: chr17-29632370-A-G.
Other names: c.4836-20468A>G (NM_001042492.3); c.4773-20468A>G (NM_000267.4).
Identifiers: ClinVar variation 3257116 (VCV003257116.17).

ClinVar aggregate classification (germline): Likely benign (1 of 4 stars; one submission).

gnomAD v4.1: 20 of 1,614,034 alleles (0.0012%); highest among the groups gnomAD compares: Admixed American, 0.0067%; no homozygotes.

Submission:

CeGaT Center for Human Genetics Tuebingen
Classification: Likely benign. Last evaluated: 2024-07-01. Review status: criteria provided, single submitter. Criteria: CeGaT Center For Human Genetics Tuebingen Variant Classification Criteria Version 2. Collection method: clinical testing. Allele origin: germline. Affected: yes. Observed: 1 variant allele.
Comment: EVI2B: BP4, BP7